The following is an entry in ClinVar:

NM_018129.4(PNPO):c.310A>G (p.Lys104Glu)

Gene: PNPO (pyridoxamine 5'-phosphate oxidase; plus strand). Cytogenetic location: 17q21.32.
Variant type: single nucleotide variant.
Coding change: c.310A>G on transcript NM_018129.4 (MANE Select); coding-DNA position 310, A replaced by G.
Protein change: p.Lys104Glu; replaces lysine 104 with glutamic acid.
Molecular consequence: missense variant.
Genome position (GRCh38, 1-based): chr17:47,944,662, A>G. VCF-style: chr17-47944662-A-G. GRCh37 (hg19) VCF-style: chr17-46022028-A-G.
Other names: short protein forms K104E.
Identifiers: ClinVar variation 1507472 (VCV001507472.8), dbSNP rs2144162999, ClinGen allele CA400057059.

ClinVar aggregate classification (germline): Uncertain significance (1 of 4 stars; one submission).

Conditions:
Pyridoxal phosphate-responsive seizures (PNPOD). Also called: EPILEPTIC ENCEPHALOPATHY, NEONATAL, PNPO-RELATED; SEIZURES, PYRIDOXINE-RESISTANT, PLP-SENSITIVE; Pyridoxamine 5-Prime-Phosphate Oxidase Deficiency; Pyridoxine-5'-phosphate oxidase deficiency; Pyridoxal 5'-Phosphate (PLP)-Dependent Epilepsy. Identifiers: Orphanet 79096, MedGen C1864723, MONDO:0012407, OMIM 610090. Disease mechanism: loss of function.

Submission:

Labcorp Genetics (formerly Invitae), Labcorp
Classification: Uncertain significance for Pyridoxal phosphate-responsive seizures. Last evaluated: 2021-07-25. Review status: criteria provided, single submitter. Criteria: Invitae Variant Classification Sherloc (09022015). Collection method: clinical testing. Allele origin: germline.
Comment: This variant has not been reported in the literature in individuals affected with PNPO-related conditions. This variant is not present in population databases (ExAC no frequency). This sequence change replaces lysine with glutamic acid at codon 104 of the PNPO protein (p.Lys104Glu). The lysine residue is moderately conserved and there is a small physicochemical difference between lysine and glutamic acid. Algorithms developed to predict the effect of missense changes on protein structure and function (SIFT, PolyPhen-2, Align-GVGD) all suggest that this variant is likely to be tolerated. In summary, the available evidence is currently insufficient to determine the role of this variant in disease. Therefore, it has been classified as a Variant of Uncertain Significance.